The following is an entry in ClinVar:

NM_001378120.1(MBD5):c.2147G>A (p.Ser716Asn)

Gene: MBD5 (methyl-CpG binding domain protein 5; plus strand). Cytogenetic location: 2q23.1.
Variant type: single nucleotide variant.
Coding change: c.2147G>A on transcript NM_001378120.1 (MANE Select); coding-DNA position 2147, G replaced by A.
Protein change: p.Ser716Asn; replaces serine 716 with asparagine.
Molecular consequence: missense variant.
Genome position (GRCh38, 1-based): chr2:148,470,090, G>A. VCF-style: chr2-148470090-G-A. GRCh37 (hg19) VCF-style: chr2-149227659-G-A.
Other names: c.2147G>A (NM_018328.4); c.2147G>A, p.Ser716Asn (NM_018328.5); short protein forms S716N.
Identifiers: ClinVar variation 2159782 (VCV002159782.6), dbSNP rs763035426, ClinGen allele CA57579459.
Genomic context (GRCh38, chr2:148,470,090, plus strand): 5'-TTCCCATCAGTTCAATGTCTCAGTTACTACAGTCTATGAGTTGTCAAAGCTCTCACTTGA[G>A]TAGCAATAGTACCCCGGGTTGTGGGGCCTCAAATACTGCTTTGCCTTGCTCTGCTAACCA-3'
Protein context (NP_001365049.1, residues 706-726): QSMSCQSSHL[Ser716Asn]SNSTPGCGAS

ClinVar aggregate classification (germline): Uncertain significance. Review status: criteria provided, multiple submitters, no conflicts (2 of 4 stars). 3 submissions from 3 submitters: Uncertain significance (3). Last evaluated 2025-08-20.

Conditions:
Intellectual developmental disorder, autosomal dominant 1. Also called: Intellectual disability, autosomal dominant 1; MBD5 Haploinsufficiency. Identifiers: Orphanet 228402, MedGen C1969562, MONDO:0007974, OMIM 156200.
Inborn genetic diseases. Identifiers: MedGen C0950123, MeSH D030342.

Allele frequency attached by ClinVar (database versions not stated): gnomAD exomes below 0.00001; gnomAD 0.00001; TOPMed 0.00002.
gnomAD v4.1: 3 of 1,613,752 alleles (0.00019%); highest among the groups gnomAD compares: Non-Finnish European, 0.00025%; no homozygotes.

Submissions (3):

Ambry Genetics
Classification: Uncertain significance for Inborn genetic diseases. Last evaluated: 2025-08-20. Review status: criteria provided, single submitter. Criteria: Ambry Variant Classification Scheme 2023. Collection method: clinical testing. Allele origin: germline.

Labcorp Genetics (formerly Invitae), Labcorp
Classification: Uncertain significance for Intellectual developmental disorder, autosomal dominant 1. Last evaluated: 2025-08-18. Review status: criteria provided, single submitter. Criteria: Invitae Variant Classification Sherloc (09022015). Collection method: clinical testing. Allele origin: germline.
Comment: This sequence change replaces serine, which is neutral and polar, with asparagine, which is neutral and polar, at codon 716 of the MBD5 protein (p.Ser716Asn). This variant is present in population databases (rs763035426, gnomAD 0.0009%). This variant has not been reported in the literature in individuals affected with MBD5-related conditions. ClinVar contains an entry for this variant (Variation ID: 2159782). Invitae Evidence Modeling of protein sequence and biophysical properties (such as structural, functional, and spatial information, amino acid conservation, physicochemical variation, residue mobility, and thermodynamic stability) indicates that this missense variant is not expected to disrupt MBD5 protein function with a negative predictive value of 80%. In summary, the available evidence is currently insufficient to determine the role of this variant in disease. Therefore, it has been classified as a Variant of Uncertain Significance.

Women's Health and Genetics/Laboratory Corporation of America, LabCorp
Classification: Uncertain significance. Last evaluated: 2024-06-14. Review status: criteria provided, single submitter. Criteria: LabCorp Variant Classification Summary - May 2015. Collection method: clinical testing. Allele origin: germline.
Comment: Variant summary: MBD5 c.2147G>A (p.Ser716Asn) results in a conservative amino acid change in the encoded protein sequence. Three of five in-silico tools predict a benign effect of the variant on protein function. The variant allele was found at a frequency of 4e-06 in 250804 control chromosomes. The available data on variant occurrences in the general population are insufficient to allow any conclusion about variant significance. To our knowledge, no occurrence of c.2147G>A in individuals affected with MBD5-related conditions and no experimental evidence demonstrating its impact on protein function have been reported. ClinVar contains an entry for this variant (Variation ID: 2159782). Based on the evidence outlined above, the variant was classified as uncertain significance.